The following is an entry in ClinVar:

NM_004752.4(GCM2):c.156C>T (p.Ser52=)

Gene: GCM2 (GCM transcription factor 2; minus strand). Cytogenetic location: 6p24.2.
Variant type: single nucleotide variant.
Coding change: c.156C>T on transcript NM_004752.4 (MANE Select); coding-DNA position 156, C replaced by T.
Protein change: p.Ser52=; no amino-acid change (serine 52 retained).
Molecular consequence: synonymous variant.
Genome position (GRCh38, 1-based): chr6:10,877,327, G>A on the plus strand (C>T on the coding strand, the complement: GCM2 is on the minus strand). VCF-style: chr6-10877327-G-A. GRCh37 (hg19) VCF-style: chr6-10877560-G-A.
Identifiers: ClinVar variation 355020 (VCV000355020.16), dbSNP rs147096473, ClinGen allele CA3634148.

ClinVar aggregate classification (germline): Likely benign. Review status: criteria provided, multiple submitters, no conflicts (2 of 4 stars). 3 submissions from 3 submitters: Likely benign (2). 1 of the submissions does not count toward it. Last evaluated 2025-12-24.

Conditions:
GCM2-related disorder. Also called: GCM2-related condition.

Allele frequency attached by ClinVar (database versions not stated): TOPMed 0.00057; gnomAD 0.00062 and 0.00066; ESP Exome Variant Server 0.00069; gnomAD exomes 0.00073 and 0.00080; ExAC 0.00111.
gnomAD v4.1: 1,163 of 1,613,966 alleles (0.072%); highest among the groups gnomAD compares: Non-Finnish European, 0.09%; 1 homozygote.

Submissions (3):

Labcorp Genetics (formerly Invitae), Labcorp
Classification: Likely benign. Last evaluated: 2025-12-24. Review status: criteria provided, single submitter. Criteria: Invitae Variant Classification Sherloc (09022015). Collection method: clinical testing. Allele origin: germline.

Blueprint Genetics
Classification: Likely benign. Last evaluated: 2024-11-19. Review status: criteria provided, single submitter. Criteria: ACMG Guidelines, 2015. Collection method: clinical testing. Allele origin: germline.

PreventionGenetics, part of Exact Sciences
Classification: Likely benign for GCM2-related condition. Last evaluated: 2019-08-02. Review status: no assertion criteria provided. Collection method: clinical testing. Allele origin: germline. Not counted in ClinVar's aggregate classification.
Comment: This variant is classified as likely benign based on ACMG/AMP sequence variant interpretation guidelines (Richards et al. 2015 PMID: 25741868, with internal and published modifications).